The following is an entry in ClinVar:

ClinVar aggregate classification (germline): Uncertain significance. Review status: criteria provided, multiple submitters, no conflicts (2 of 4 stars). 2 submissions from 2 submitters: Uncertain significance (2). Last evaluated 2019-05-13.

Conditions:
Cardiovascular phenotype. Identifiers: MedGen CN230736.

Submissions (2):

Ambry Genetics
Classification: Uncertain significance for Cardiovascular phenotype. Last evaluated: 2019-05-13. Review status: criteria provided, single submitter. Criteria: Ambry Variant Classification Scheme 2023. Collection method: clinical testing. Allele origin: germline.
Comment: The p.H444D variant (also known as c.1330C>G), located in coding exon 12 of the ACTN2 gene, results from a C to G substitution at nucleotide position 1330. The histidine at codon 444 is replaced by aspartic acid, an amino acid with similar properties. This amino acid position is highly conserved in available vertebrate species. In addition, this alteration is predicted to be deleterious by in silico analysis. Since supporting evidence is limited at this time, the clinical significance of this alteration remains unclear.

GeneDx
Classification: Uncertain significance. Last evaluated: 2017-02-17. Review status: criteria provided, single submitter. Criteria: GeneDx Variant Classification (06012015). Collection method: clinical testing. Allele origin: germline. Affected: yes.
Comment: The H444D varianthas not been published as pathogenic or been reported as benign to our knowledge. It is not observed inlarge population cohorts (Lek et al., 2016; 1000 Genomes Consortium et al., 2015; Exome VariantServer). The H444D variant is a non-conservative amino acid substitution, which is likely to impactsecondary protein structure as these residues differ in polarity, charge, size and/or other properties.Moreover, this substitution occurs at a position that is conserved across species, and in silico analysispredicts this variant is probably damaging to the protein structure/function. Nonetheless, this variantlacks observation in a significant number of affected individuals, segregation data, and functionalevidence, all of which would further clarify pathogenicity.

NM_001103.4(ACTN2):c.1330C>G (p.His444Asp)

Gene: ACTN2 (actinin alpha 2; plus strand). Cytogenetic location: 1q43.
Variant type: single nucleotide variant.
Coding change: c.1330C>G on transcript NM_001103.4 (MANE Select); coding-DNA position 1330, C replaced by G.
Protein change: p.His444Asp; replaces histidine 444 with aspartic acid.
Molecular consequence: missense variant.
Genome position (GRCh38, 1-based): chr1:236,744,700, C>G. VCF-style: chr1-236744700-C-G. GRCh37 (hg19) VCF-style: chr1-236908000-C-G.
Other names: c.1330C>G, p.His444Asp (NM_001278343.2); c.706C>G, p.His236Asp (NM_001278344.2); short protein forms H444D, H236D.
Identifiers: ClinVar variation 423727 (VCV000423727.4), dbSNP rs1064796600, ClinGen allele CA16617091.